The following is an entry in ClinVar:

ClinVar aggregate classification (germline): Uncertain significance (1 of 4 stars; one submission).

Conditions:
Hereditary breast ovarian cancer syndrome. Also called: Hereditary breast and ovarian cancer; Hereditary breast and ovarian cancer syndrome; Breast and ovarian cancer; BRCA1- and BRCA2-Associated Hereditary Breast and Ovarian Cancer; Hereditary breast and ovarian cancer syndrome (HBOC); Hereditary breast and/or ovarian cancer syndrome. Identifiers: Orphanet 145, MedGen C0677776, MeSH D061325, MONDO:0003582. Disease mechanism: loss of function.

Submission:

Labcorp Genetics (formerly Invitae), Labcorp
Classification: Uncertain significance for Hereditary breast ovarian cancer syndrome. Last evaluated: 2021-01-12. Review status: criteria provided, single submitter. Criteria: Invitae Variant Classification Sherloc (09022015). Collection method: clinical testing. Allele origin: germline.
Comment: This sequence change replaces aspartic acid with asparagine at codon 2592 of the BRCA2 protein (p.Asp2592Asn). The aspartic acid residue is moderately conserved and there is a small physicochemical difference between aspartic acid and asparagine. In summary, the available evidence is currently insufficient to determine the role of this variant in disease. Therefore, it has been classified as a Variant of Uncertain Significance. Advanced modeling of protein sequence and biophysical properties (such as structural, functional, and spatial information, amino acid conservation, physicochemical variation, residue mobility, and thermodynamic stability) performed at Invitae indicates that this missense variant is not expected to disrupt BRCA2 protein function. This variant has not been reported in the literature in individuals with BRCA2-related conditions. This variant is not present in population databases (ExAC no frequency).

NM_000059.4(BRCA2):c.7774G>A (p.Asp2592Asn)

Gene: BRCA2 (BRCA2 DNA repair associated; plus strand). Cytogenetic location: 13q13.1.
Variant type: single nucleotide variant.
Coding change: c.7774G>A on transcript NM_000059.4 (MANE Select); coding-DNA position 7774, G replaced by A.
Protein change: p.Asp2592Asn; replaces aspartic acid 2592 with asparagine.
Molecular consequence: missense variant.
Genome position (GRCh38, 1-based): chr13:32,357,898, G>A. VCF-style: chr13-32357898-G-A. GRCh37 (hg19) VCF-style: chr13-32932035-G-A.
Other names: short protein forms D2592N.
Identifiers: ClinVar variation 1401375 (VCV001401375.8), dbSNP rs2137567634, ClinGen allele CA387745936.